The following is an entry in ClinVar:

ClinVar aggregate classification (germline): Likely pathogenic (1 of 4 stars; one submission).

Conditions:
Familial cancer of breast. Also called: hereditary breast carcinoma; BREAST CANCER, FAMILIAL; Hereditary breast cancer. Identifiers: Orphanet 227535, MedGen C0346153, MONDO:0016419, OMIM 114480. Disease mechanism: loss of function.

Submission:

Myriad Genetics, Inc.
Classification: Likely pathogenic for Familial cancer of breast. Last evaluated: 2024-04-29. Review status: criteria provided, single submitter. Criteria: Myriad Autosomal Dominant, Autosomal Recessive and X-Linked Classification Criteria (2023). Collection method: clinical testing. Allele origin: unknown.
Comment: This variant is considered likely pathogenic. This variant occurs within a consensus splice junction and is predicted to result in abnormal mRNA splicing of either an out-of-frame exon or an in-frame exon necessary for protein stability and/or normal function.

NM_000051.4(ATM):c.6976-2del

Genes: ATM (ATM serine/threonine kinase; plus strand), C11orf65 (chromosome 11 open reading frame 65; minus strand). Cytogenetic location: 11q22.3.
Variant type: Deletion.
Coding change: c.6976-2del on transcript NM_000051.4 (MANE Select); the canonical splice acceptor site of the intron before coding-DNA position 6976, one base deleted (A; older notation c.6976-2delA).
Molecular consequence: splice acceptor variant. On other transcripts: intron variant (2).
Genome position (GRCh38, 1-based): chr11:108,327,643, A deleted. VCF-style (leftmost placement, unchanged base first): chr11-108327642-CA-C. GRCh37 (hg19) VCF-style: chr11-108198369-CA-C.
Other names: c.6976-2del (NM_001351834.2); c.641-18572del (NM_001330368.2); c.*38+7577del (NM_001351110.2).
Identifiers: ClinVar variation 3254377 (VCV003254377.1), dbSNP rs2547231370.
Genomic context (GRCh38, chr11:108,327,642, plus strand): 5'-AAGGGCAGTTGGGTACAGTCATGGTAATGCATTATATTTTAAGATTTTGCCTTTCTTATA[CA>C]GAACAATCCCAGCCTAAAACTTACATACACAGAATGTCTGAGGGTTTGTGGCAACTGGTT-3'